The following is an entry in ClinVar:

NC_000011.9:g.(?_61205087)_(61213553_?)dup

Gene: SDHAF2 (succinate dehydrogenase complex assembly factor 2; plus strand). Cytogenetic location: 11q12.2.
Variant type: Duplication.
Identifiers: ClinVar variation 639384 (VCV000639384.2).

ClinVar aggregate classification (germline): Uncertain significance (1 of 4 stars; one submission).

Conditions:
Hereditary pheochromocytoma and paraganglioma. Also called: Hereditary Paraganglioma-Pheochromocytoma Syndromes; Hereditary paragangliomas and pheochromocytomas; Hereditary pheochromocytoma-paraganglioma. Identifiers: Orphanet 29072, MedGen C4274332, MONDO:0017366.

Submission:

Labcorp Genetics (formerly Invitae), Labcorp
Classification: Uncertain significance for Hereditary Paraganglioma-Pheochromocytoma Syndromes. Last evaluated: 2019-10-30. Review status: criteria provided, single submitter. Criteria: Invitae Variant Classification Sherloc (09022015). Collection method: clinical testing. Allele origin: germline.
Comment: This variant results in a copy number gain of the genomic region encompassing exons 2-4 of the SDHAF2 gene. The 5' boundary is likely confined to intron 1. The 3' end of this event is unknown as it extends beyond the assayed region for this gene and therefore may encompass additional genes. As the precise location of this event is unknown, it may be in tandem or it may be located elsewhere in the genome. This variant has not been reported in the literature in individuals with SDHAF2-related disease. In summary, the available evidence is currently insufficient to determine the role of this variant in disease. Therefore, it has been classified as a Variant of Uncertain Significance.